The following is an entry in ClinVar:

ClinVar aggregate classification (germline): Uncertain significance (1 of 4 stars; one submission).

Conditions:
Familial cancer of breast. Also called: BREAST CANCER, FAMILIAL; Hereditary breast cancer; hereditary breast carcinoma. Identifiers: Orphanet 227535, MedGen C0346153, MONDO:0016419, OMIM 114480. Disease mechanism: loss of function.

Submission:

Labcorp Genetics (formerly Invitae), Labcorp
Classification: Uncertain significance for Familial cancer of breast. Last evaluated: 2021-03-07. Review status: criteria provided, single submitter. Criteria: Invitae Variant Classification Sherloc (09022015). Collection method: clinical testing. Allele origin: germline.
Comment: In summary, the available evidence is currently insufficient to determine the role of this variant in disease. Therefore, it has been classified as a Variant of Uncertain Significance. Experimental studies and prediction algorithms are not available or were not evaluated, and the functional significance of this variant is currently unknown. This variant has not been reported in the literature in individuals with CHEK2-related conditions. This variant results in a copy number gain of the genomic region encompassing exon(s) 6-8 of the CHEK2 gene. While the exact position of this variant cannot be determined from the data, sub-genic copy number gains are generally in tandem (PMID: 25640679). This variant is predicted to be in-frame, and likely preserves the integrity of the reading frame.

Literature cited by the submitters: PubMed 25640679.

NC_000022.10:g.(?_29099483)_(29108015_?)dup

Gene: CHEK2 (checkpoint kinase 2; minus strand). Cytogenetic location: 22q12.1.
Variant type: Duplication.
Identifiers: ClinVar variation 1433396 (VCV001433396.5).